The following is an entry in ClinVar:

ClinVar aggregate classification (germline): Uncertain significance (1 of 4 stars; one submission).

Submission:

Labcorp Genetics (formerly Invitae), Labcorp
Classification: Uncertain significance. Last evaluated: 2025-12-05. Review status: criteria provided, single submitter. Criteria: Invitae Variant Classification Sherloc (09022015). Collection method: clinical testing. Allele origin: germline.
Comment: This sequence change replaces glutamine, which is neutral and polar, with lysine, which is basic and polar, at codon 466 of the HNF1A protein (p.Gln466Lys). This variant is not present in population databases (gnomAD no frequency). This variant has not been reported in the literature in individuals affected with HNF1A-related conditions. Invitae Evidence Modeling of protein sequence and biophysical properties (such as structural, functional, and spatial information, amino acid conservation, physicochemical variation, residue mobility, and thermodynamic stability) indicates that this missense variant is not expected to disrupt HNF1A protein function with a negative predictive value of 80%. In summary, the available evidence is currently insufficient to determine the role of this variant in disease. Therefore, it has been classified as a Variant of Uncertain Significance.

NM_000545.8(HNF1A):c.1396C>A (p.Gln466Lys)

Gene: HNF1A (HNF1 homeobox A; plus strand). Cytogenetic location: 12q24.31.
Variant type: single nucleotide variant.
Coding change: c.1396C>A on transcript NM_000545.8 (MANE Select); coding-DNA position 1396, C replaced by A.
Protein change: p.Gln466Lys; replaces glutamine 466 with lysine.
Molecular consequence: missense variant. On other transcripts: intron variant (1).
Genome position (GRCh38, 1-based): chr12:120,997,560, C>A. VCF-style: chr12-120997560-C-A. GRCh37 (hg19) VCF-style: chr12-121435363-C-A.
Other names: c.1396C>A, p.Gln466Lys (NM_001306179.2); c.1309+818C>A (NM_001406915.1); short protein forms Q466K.
Identifiers: ClinVar variation 4741372 (VCV004741372.1).